The following is an entry in ClinVar:

ClinVar aggregate classification (germline): Likely pathogenic (1 of 4 stars; one submission).

Conditions:
Mucopolysaccharidosis, MPS-III-B (MPS3B). Also called: MPS IIIB (Sanfilippo Syndrome Type B); N-ACETYL-ALPHA-D-GLUCOSAMINIDASE DEFICIENCY; NAGLU DEFICIENCY; SANFILIPPO SYNDROME B; MPS III B; Mucopolysaccharidosis type IIIB (Sanfilippo B). Identifiers: Orphanet 79270, MedGen C0086648, MONDO:0009656, OMIM 252920.

Submission:

Natera, Inc.
Classification: Likely pathogenic for Mucopolysaccharidosis type IIIB. Last evaluated: 2025-12-15. Review status: criteria provided, single submitter. Criteria: Natera Variant Classification Schema (03/2026). Collection method: clinical testing. Allele origin: germline.
Comment: The c.1314_1315insC variant in NAGLU is a frameshift variant predicted to shift the reading frame beginning at codon 439 and leads to a stop codon 22 codons downstream. This variant is expected to result in nonsense mediated decay, truncation, or a dysfunctional protein product. This variant is rare in the general population with a frequency below the threshold expected for the associated phenotype(s). Given the available evidence, this variant is classified as Likely Pathogenic.

NM_000263.4(NAGLU):c.1314_1315insC (p.Val439fs)

Gene: NAGLU (N-acetyl-alpha-glucosaminidase; plus strand). Cytogenetic location: 17q21.2.
Variant type: Insertion.
Coding change: c.1314_1315insC on transcript NM_000263.4 (MANE Select); coding-DNA positions 1314 to 1315, C inserted.
Protein change: p.Val439fs; shifts the reading frame from valine 439.
Molecular consequence: frameshift variant.
Genome position: GRCh38 VCF-style: chr17-42543320-G-GC. GRCh37 (hg19) VCF-style: chr17-40695338-G-GC.
Other names: short protein forms V439fs.
Identifiers: ClinVar variation 4818037 (VCV004818037.1).